The following is an entry in ClinVar:

NM_001256545.2(MEGF10):c.320C>A (p.Pro107His)

Gene: MEGF10 (multiple EGF like domains 10; plus strand). Cytogenetic location: 5q23.2.
Variant type: single nucleotide variant.
Coding change: c.320C>A on transcript NM_001256545.2 (MANE Select); coding-DNA position 320, C replaced by A.
Protein change: p.Pro107His; replaces proline 107 with histidine.
Molecular consequence: missense variant.
Genome position (GRCh38, 1-based): chr5:127,369,910, C>A. VCF-style: chr5-127369910-C-A. GRCh37 (hg19) VCF-style: chr5-126705602-C-A.
Other names: c.320C>A, p.Pro107His (NM_001308119.2, NM_001308121.2, NM_032446.3); short protein forms P107H.
Identifiers: ClinVar variation 852323 (VCV000852323.7), dbSNP rs745615372, ClinGen allele CA3391247.
Genomic context (GRCh38, chr5:127,369,910, plus strand): 5'-GTTGTTGGCTTTTTTTTCTTGTGCCAACTTTCTTTATTTGATTGATTTTCTCTCTGACAG[C>A]CCACTGTGCTGATAAATGTGTCCATGGTCGCTGTATTGCTCCAAACACCTGTCAGTGTGA-3'
Protein context (NP_001243474.1, residues 97-117): GFYESGEMCV[Pro107His]HCADKCVHGR

ClinVar aggregate classification (germline): Uncertain significance (1 of 4 stars; one submission).

Conditions:
MEGF10-related myopathy (CMYO10A). Also called: Congenital myopathy 10A, severe variant. Identifiers: Orphanet 439212, MedGen C3280679, MONDO:0013731, OMIM 614399.

Allele frequency attached by ClinVar (database versions not stated): gnomAD exomes below 0.00001; ExAC 0.00001; gnomAD 0.00001.
gnomAD v4.1: 7 of 1,596,168 alleles (0.00044%); highest among the groups gnomAD compares: East Asian, 0.014%; no homozygotes.

Submission:

Labcorp Genetics (formerly Invitae), Labcorp
Classification: Uncertain significance for MEGF10-related myopathy. Last evaluated: 2022-09-27. Review status: criteria provided, single submitter. Criteria: Invitae Variant Classification Sherloc (09022015). Collection method: clinical testing. Allele origin: germline.
Comment: This sequence change replaces proline, which is neutral and non-polar, with histidine, which is basic and polar, at codon 107 of the MEGF10 protein (p.Pro107His). This variant is present in population databases (rs745615372, gnomAD 0.04%). This variant has not been reported in the literature in individuals affected with MEGF10-related conditions. ClinVar contains an entry for this variant (Variation ID: 852323). Algorithms developed to predict the effect of missense changes on protein structure and function are either unavailable or do not agree on the potential impact of this missense change (SIFT: "Deleterious"; PolyPhen-2: "Probably Damaging"; Align-GVGD: "Class C0"). In summary, the available evidence is currently insufficient to determine the role of this variant in disease. Therefore, it has been classified as a Variant of Uncertain Significance.